The following is an entry in ClinVar:

ClinVar aggregate classification (germline): Uncertain significance (1 of 4 stars; one submission).

Conditions:
Combined immunodeficiency due to ORAI1 deficiency. Also called: IMMUNODEFICIENCY 9. Identifiers: Orphanet 169090, Orphanet 317428, MedGen C2748568, MONDO:0013007, OMIM 612782.
Myopathy, tubular aggregate, 2 (TAM2). Identifiers: MedGen C4014557, MONDO:0014383, OMIM 615883.

Submission:

Labcorp Genetics (formerly Invitae), Labcorp
Classification: Uncertain significance for Myopathy, tubular aggregate, 2; Immune dysfunction with T-cell inactivation due to calcium entry defect 1. Last evaluated: 2018-08-06. Review status: criteria provided, single submitter. Criteria: Invitae Variant Classification Sherloc (09022015). Collection method: clinical testing. Allele origin: germline.
Comment: This sequence change replaces glutamic acid with aspartic acid at codon 38 of the ORAI1 protein (p.Glu38Asp). TheÂ¬â€ glutamic acidÂ¬â€ residue is weakly conserved and there is a small physicochemical difference betweenÂ¬â€ glutamic acidÂ¬â€ andÂ¬â€ aspartic acid. This variant is not present in population databases (ExAC no frequency). This variant has not been reported in the literature in individuals with ORAI1-related disease. Algorithms developed to predict the effect of missense changes on protein structure and function (SIFT, PolyPhen-2, Align-GVGD) all suggest that this variant is likely to be tolerated, but these predictions have not been confirmed by published functional studies and their clinical significance is uncertain. In summary, the available evidence is currently insufficient to determine the role of this variant in disease. Therefore, it has been classified as a Variant of Uncertain Significance.

NM_032790.4(ORAI1):c.114G>T (p.Glu38Asp)

Genes: ORAI1 (ORAI calcium release-activated calcium modulator 1; plus strand), LOC130008987 (ATAC-STARR-seq lymphoblastoid silent region 4981; plus strand). Cytogenetic location: 12q24.31.
Variant type: single nucleotide variant.
Coding change: c.114G>T on transcript NM_032790.4 (MANE Select); coding-DNA position 114, G replaced by T.
Protein change: p.Glu38Asp; replaces glutamic acid 38 with aspartic acid.
Genome position (GRCh38, 1-based): chr12:121,626,856, G>T. VCF-style: chr12-121626856-G-T. GRCh37 (hg19) VCF-style: chr12-122064761-G-T.
Other names: short protein forms E38D.
Identifiers: ClinVar variation 660638 (VCV000660638.1), dbSNP rs1226204743, ClinGen allele CA386980583.